The following is an entry in ClinVar:

ClinVar aggregate classification (germline): Uncertain significance. Review status: criteria provided, multiple submitters, no conflicts (2 of 4 stars). 2 submissions from 2 submitters: Uncertain significance (2). Last evaluated 2025-04-07.

Conditions:
Inborn genetic diseases. Identifiers: MedGen C0950123, MeSH D030342.

Allele frequency attached by ClinVar (database versions not stated): ExAC 0.00001; TOPMed 0.00001; gnomAD 0.00003; ESP Exome Variant Server 0.00008.

Submissions (2):

Labcorp Genetics (formerly Invitae), Labcorp
Classification: Uncertain significance. Last evaluated: 2025-04-07. Review status: criteria provided, single submitter. Criteria: Invitae Variant Classification Sherloc (09022015). Collection method: clinical testing. Allele origin: germline.
Comment: This sequence change replaces glutamine, which is neutral and polar, with arginine, which is basic and polar, at codon 351 of the PDE4D protein (p.Gln351Arg). The frequency data for this variant in the population databases is considered unreliable, as metrics indicate poor data quality at this position in the gnomAD database. This variant has not been reported in the literature in individuals affected with PDE4D-related conditions. ClinVar contains an entry for this variant (Variation ID: 1906833). An algorithm developed to predict the effect of missense changes on protein structure and function (PolyPhen-2) suggests that this variant is likely to be tolerated. In summary, the available evidence is currently insufficient to determine the role of this variant in disease. Therefore, it has been classified as a Variant of Uncertain Significance.

Ambry Genetics
Classification: Uncertain significance for Inborn genetic diseases. Last evaluated: 2023-04-17. Review status: criteria provided, single submitter. Criteria: Ambry Variant Classification Scheme 2023. Collection method: clinical testing. Allele origin: germline.

NM_001104631.2(PDE4D):c.1052A>G (p.Gln351Arg)

Gene: PDE4D (phosphodiesterase 4D; minus strand). Cytogenetic location: 5q11.2.
Variant type: single nucleotide variant.
Coding change: c.1052A>G on transcript NM_001104631.2 (MANE Select); coding-DNA position 1052, A replaced by G.
Protein change: p.Gln351Arg; replaces glutamine 351 with arginine.
Molecular consequence: missense variant.
Genome position (GRCh38, 1-based): chr5:58,991,968, T>C on the plus strand (A>G on the coding strand, the complement: PDE4D is on the minus strand). VCF-style: chr5-58991968-T-C. GRCh37 (hg19) VCF-style: chr5-58287795-T-C.
Other names: c.869A>G, p.Gln290Arg (NM_001165899.2, NM_001364599.1); c.860A>G, p.Gln287Arg (NM_001197218.2); c.686A>G, p.Gln229Arg (NM_001197219.2); c.662A>G, p.Gln221Arg (NM_001197220.2); c.146A>G, p.Gln49Arg (NM_001197221.2, NM_001364603.1); c.380A>G, p.Gln127Arg (NM_001197222.2); c.179A>G, p.Gln60Arg (NM_001197223.2); c.839A>G, p.Gln280Arg (NM_001349241.2); and 4 more; short protein forms Q280R, Q95R, Q215R, Q351R, Q60R, Q127R, Q221R, Q49R.
Identifiers: ClinVar variation 1906833 (VCV001906833.7), dbSNP rs374330851, ClinGen allele CA3276159.
Genomic context (GRCh38, chr5:58,991,968, plus strand): 5'-ATCAATTTCTTGACTCCACTGATCTGAGACATTGGTCTTTTCTTTTTCTCCTTTTCCTTC[T>C]GAGTTGGAGAAGGAATTTCCACTTCATGTTGCTTATCTTGAGAAATTTAGAAAATGTTCT-3'
Protein context (NP_001098101.1, residues 341-361): QHEVEIPSPT[Gln351Arg]KEKEKKKRPM